The following is an entry in ClinVar:

NM_003482.4(KMT2D):c.11313C>A (p.Pro3771=)

Gene: KMT2D (lysine methyltransferase 2D; minus strand). Cytogenetic location: 12q13.12.
Variant type: single nucleotide variant.
Coding change: c.11313C>A on transcript NM_003482.4 (MANE Select); coding-DNA position 11313, C replaced by A.
Protein change: p.Pro3771=; no amino-acid change (proline 3771 retained).
Molecular consequence: synonymous variant.
Genome position (GRCh38, 1-based): chr12:49,033,392, G>T on the plus strand (C>A on the coding strand, the complement: KMT2D is on the minus strand). VCF-style: chr12-49033392-G-T. GRCh37 (hg19) VCF-style: chr12-49427175-G-T.
Identifiers: ClinVar variation 309029 (VCV000309029.20), dbSNP rs200639395, ClinGen allele CA6546327.
Genomic context (GRCh38, chr12:49,033,392, plus strand): 5'-GGACAGCTGCTGGACCAGGAGGCCTTGGTGGCTGCTGGGAGGCATAAGGCCCTGGGGCTT[G>T]GGACCCAGAGCTTGGTTTGTCTGTACTCCAGGACCCTGCTGCTGTTGCTGCTGGATTGCC-3'
Protein context (NP_003473.3, residues 3761-3781): PGVQTNQALG[Pro3771=]KPQGLMPPSS

ClinVar aggregate classification (germline): Likely benign. Review status: criteria provided, multiple submitters, no conflicts (2 of 4 stars). 5 submissions from 5 submitters: Likely benign (5). Last evaluated 2026-07-01.

Conditions:
Kabuki syndrome. Also called: Kabuki make-up syndrome; NIIKAWA-KUROKI SYNDROME. Identifiers: Orphanet 2322, MedGen C0796004, MONDO:0016512.

Allele frequency attached by ClinVar (database versions not stated): ESP Exome Variant Server 0.00023; ExAC 0.00043; gnomAD 0.00044 and 0.00045; TOPMed 0.00046; 1000 Genomes Project 30x 0.00047; 1000 Genomes Project 0.00060.
gnomAD v4.1: 277 of 1,572,856 alleles (0.018%); highest among the groups gnomAD compares: Middle Eastern, 0.26%; no homozygotes.

Submissions (5):

CeGaT Center for Human Genetics Tuebingen
Classification: Likely benign. Last evaluated: 2026-07-01. Review status: criteria provided, single submitter. Criteria: CeGaT Center For Human Genetics Tuebingen Variant Classification Criteria Version 2. Collection method: clinical testing. Allele origin: germline. Affected: yes. Observed: 3 variant alleles.
Comment: KMT2D: BP4, BP7

Labcorp Genetics (formerly Invitae), Labcorp
Classification: Likely benign for Kabuki syndrome. Last evaluated: 2026-01-14. Review status: criteria provided, single submitter. Criteria: Invitae Variant Classification Sherloc (09022015). Collection method: clinical testing. Allele origin: germline.

Blueprint Genetics
Classification: Likely benign. Last evaluated: 2024-11-07. Review status: criteria provided, single submitter. Criteria: ACMG Guidelines, 2015. Collection method: clinical testing. Allele origin: germline.

GeneDx
Classification: Likely benign. Last evaluated: 2021-02-03. Review status: criteria provided, single submitter. Criteria: GeneDx Variant Classification Process June 2021. Collection method: clinical testing. Allele origin: germline. Affected: yes.

Breakthrough Genomics
Classification: Likely benign. Review status: criteria provided, single submitter. Criteria: ACMG Guidelines, 2015. Collection method: not provided. Allele origin: germline. Inheritance: Autosomal dominant inheritance. Affected: yes.